The following is an entry in ClinVar:

ClinVar aggregate classification (germline): Uncertain significance (1 of 4 stars; one submission).

Conditions:
PDE11A-related disorder. Also called: PDE11A-related condition.

Submission:

PreventionGenetics, part of Exact Sciences
Classification: Uncertain significance for PDE11A-related condition. Last evaluated: 2025-04-18. Review status: criteria provided, single submitter. Criteria: ACMG Guidelines, 2015. Collection method: clinical testing. Allele origin: germline.
Comment: The PDE11A c.2800T>C variant is predicted to result in extension of the open reading frame (p.*934Glnext*10). This variant is predicted to result in extension of the open reading frame (p.*934Glnext*10). To our knowledge, this variant has not been reported in the literature or in a large population database (gnomAD), indicating this variant is rare. At this time, the clinical significance of this variant is uncertain due to the absence of conclusive functional and genetic evidence.

NM_016953.4(PDE11A):c.2800T>C (p.Ter934Gln)

Gene: PDE11A (phosphodiesterase 11A; minus strand). Cytogenetic location: 2q31.2.
Variant type: single nucleotide variant.
Coding change: c.2800T>C on transcript NM_016953.4 (MANE Select); coding-DNA position 2800, T replaced by C.
Protein change: p.Ter934Gln.
Molecular consequence: stop lost.
Genome position (GRCh38, 1-based): chr2:177,629,409, A>G on the plus strand (T>C on the coding strand, the complement: PDE11A is on the minus strand). VCF-style: chr2-177629409-A-G. GRCh37 (hg19) VCF-style: chr2-178494137-A-G.
Other names: c.1468T>C, p.Ter490Gln (NM_001077196.2); c.2050T>C, p.Ter684Gln (NM_001077197.2); c.1726T>C, p.Ter576Gln (NM_001077358.2).
Identifiers: ClinVar variation 3032299 (VCV003032299.3), dbSNP rs2468138045, ClinGen allele CA349392556.